The following is an entry in ClinVar:

NM_003823.4(TNFRSF6B):c.188G>A (p.Arg63His)

Genes: RTEL1-TNFRSF6B (RTEL1-TNFRSF6B readthrough (NMD candidate); plus strand), TNFRSF6B (TNF receptor superfamily member 6b; plus strand). Cytogenetic location: 20q13.33.
Variant type: single nucleotide variant.
Coding change: c.188G>A on transcript NM_003823.4 (MANE Select); coding-DNA position 188, G replaced by A.
Protein change: p.Arg63His; replaces arginine 63 with histidine.
Molecular consequence: missense variant. On other transcripts: non-coding transcript variant (1).
Genome position (GRCh38, 1-based): chr20:63,696,955, G>A. VCF-style: chr20-63696955-G-A. GRCh37 (hg19) VCF-style: chr20-62328308-G-A.
Other names: c.188G>A (NM_003823.3); short protein forms R63H.
Identifiers: ClinVar variation 1436938 (VCV001436938.9), dbSNP rs376360925, ClinGen allele CA9966353.

ClinVar aggregate classification (germline): Uncertain significance. Review status: criteria provided, multiple submitters, no conflicts (2 of 4 stars). 2 submissions from 2 submitters: Uncertain significance (2). Last evaluated 2025-11-21.

Allele frequency attached by ClinVar (database versions not stated): gnomAD exomes 0.00002; ExAC 0.00003; gnomAD 0.00003; TOPMed 0.00004; ESP Exome Variant Server 0.00008.
gnomAD v4.1: 26 of 1,609,346 alleles (0.0016%); highest among the groups gnomAD compares: African/African-American, 0.0067%; no homozygotes.

Submissions (2):

Labcorp Genetics (formerly Invitae), Labcorp
Classification: Uncertain significance. Last evaluated: 2025-11-21. Review status: criteria provided, single submitter. Criteria: Invitae Variant Classification Sherloc (09022015). Collection method: clinical testing. Allele origin: germline.
Comment: This sequence change replaces arginine, which is basic and polar, with histidine, which is basic and polar, at codon 63 of the TNFRSF6B protein (p.Arg63His). This variant is present in population databases (rs376360925, gnomAD 0.02%). This variant has not been reported in the literature in individuals affected with TNFRSF6B-related conditions. ClinVar contains an entry for this variant (Variation ID: 1436938). An algorithm developed to predict the effect of missense changes on protein structure and function (PolyPhen-2) suggests that this variant is likely to be tolerated. In summary, the available evidence is currently insufficient to determine the role of this variant in disease. Therefore, it has been classified as a Variant of Uncertain Significance.

Ambry Genetics
Classification: Uncertain significance. Last evaluated: 2022-01-10. Review status: criteria provided, single submitter. Criteria: Ambry Variant Classification Scheme 2023. Collection method: clinical testing. Allele origin: germline.